The following is an entry in ClinVar:

NM_024334.3(TMEM43):c.233A>G (p.His78Arg)

Gene: TMEM43 (transmembrane protein 43; plus strand). Cytogenetic location: 3p25.1.
Variant type: single nucleotide variant.
Coding change: c.233A>G on transcript NM_024334.3 (MANE Select); coding-DNA position 233, A replaced by G.
Protein change: p.His78Arg; replaces histidine 78 with arginine.
Molecular consequence: missense variant.
Genome position (GRCh38, 1-based): chr3:14,130,892, A>G. VCF-style: chr3-14130892-A-G. GRCh37 (hg19) VCF-style: chr3-14172392-A-G.
Other names: c.233A>G, p.His78Arg (NM_001407274.1, NM_001407275.1, NM_001407276.1 and 2 more transcripts); c.218A>G, p.His73Arg (NM_001407278.1); c.83A>G, p.His28Arg (NM_001407280.1); short protein forms H78R, H28R, H73R.
Identifiers: ClinVar variation 4824717 (VCV004824717.1).
Genomic context (GRCh38, chr3:14,130,892, plus strand): 5'-TGAAGACGGCAACCTCATTGGCTGAGGGGCTCTCGCTTGTGGTGTCTCCCGACAGCATCC[A>G]CAGTGTGGCTCCGGAGAATGAAGGAAGGCTGGTGCACATCATTGGCGCCTTACGGACATC-3'
Protein context (NP_077310.1, residues 68-88): LSLVVSPDSI[His78Arg]SVAPENEGRL

ClinVar aggregate classification (germline): Uncertain significance (1 of 4 stars; one submission).

Conditions:
Cardiovascular phenotype. Identifiers: MedGen CN230736.

gnomAD v4.1: 2 of 1,613,594 alleles (0.00012%); highest among the groups gnomAD compares: African/African-American, 0.0013%; no homozygotes.

Submission:

Ambry Genetics
Classification: Uncertain significance for Cardiovascular phenotype. Last evaluated: 2026-01-17. Review status: criteria provided, single submitter. Criteria: Ambry Variant Classification Scheme 2023. Collection method: clinical testing. Allele origin: germline.
Comment: The p.H78R variant (also known as c.233A>G), located in coding exon 3 of the TMEM43 gene, results from an A to G substitution at nucleotide position 233. The histidine at codon 78 is replaced by arginine, an amino acid with highly similar properties. This amino acid position is conserved. In addition, this alteration is predicted to be tolerated by in silico analysis. Based on the available evidence, the clinical significance of this variant remains unclear.